The following is an entry in ClinVar:

ClinVar aggregate classification (germline): Uncertain significance (1 of 4 stars; one submission).

Conditions:
Methylmalonic acidemia due to transcobalamin receptor defect (MATR). Also called: METHYLMALONIC ACIDURIA, TRANSIENT, DUE TO TRANSCOBALAMIN RECEPTOR DEFECT; METHYLMALONIC ACIDEMIA, TCblR TYPE. Identifiers: Orphanet 280183, MedGen C4749905, MONDO:0013341, OMIM 613646.

Allele frequency attached by ClinVar (database versions not stated): TOPMed below 0.00001; gnomAD 0.00001.

Submission:

Labcorp Genetics (formerly Invitae), Labcorp
Classification: Uncertain significance for Methylmalonic acidemia due to transcobalamin receptor defect. Last evaluated: 2023-11-17. Review status: criteria provided, single submitter. Criteria: Invitae Variant Classification Sherloc (09022015). Collection method: clinical testing. Allele origin: germline.
Comment: This sequence change replaces aspartic acid, which is acidic and polar, with valine, which is neutral and non-polar, at codon 82 of the CD320 protein (p.Asp82Val). This variant is present in population databases (no rsID available, gnomAD 0.01%). This variant has not been reported in the literature in individuals affected with CD320-related conditions. An algorithm developed to predict the effect of missense changes on protein structure and function (PolyPhen-2) suggests that this variant is likely to be disruptive. In summary, the available evidence is currently insufficient to determine the role of this variant in disease. Therefore, it has been classified as a Variant of Uncertain Significance.

NM_016579.4(CD320):c.245A>T (p.Asp82Val)

Gene: CD320 (CD320 molecule; minus strand). Cytogenetic location: 19p13.2.
Variant type: single nucleotide variant.
Coding change: c.245A>T on transcript NM_016579.4 (MANE Select); coding-DNA position 245, A replaced by T.
Protein change: p.Asp82Val; replaces aspartic acid 82 with valine.
Molecular consequence: missense variant. On other transcripts: intron variant (1).
Genome position (GRCh38, 1-based): chr19:8,305,054, T>A on the plus strand (A>T on the coding strand, the complement: CD320 is on the minus strand). VCF-style: chr19-8305054-T-A. GRCh37 (hg19) VCF-style: chr19-8369938-T-A.
Other names: c.143-966A>T (NM_001165895.2); short protein forms D82V.
Identifiers: ClinVar variation 2696293 (VCV002696293.3), dbSNP rs1367789828, ClinGen allele CA403714861.